The following is an entry in ClinVar:

NM_000059.4(BRCA2):c.7281del (p.Leu2428fs)

Gene: BRCA2 (BRCA2 DNA repair associated; plus strand). Cytogenetic location: 13q13.1.
Variant type: Deletion.
Coding change: c.7281del on transcript NM_000059.4 (MANE Select); coding-DNA position 7281, one base deleted (C; older notation c.7281delC).
Protein change: p.Leu2428fs; shifts the reading frame from leucine 2428.
Molecular consequence: frameshift variant. On other transcripts: non-coding transcript variant (1).
Genome position (GRCh38, 1-based): chr13:32,355,134, C deleted. VCF-style (leftmost placement, unchanged base first): chr13-32355133-AC-A. GRCh37 (hg19) VCF-style: chr13-32929270-AC-A.
Other names: c.7185del, p.Leu2396fs (NM_001406719.1); c.7281del, p.Leu2428fs (NM_001406720.1); c.2349del, p.Leu784fs (NM_001406721.1); c.864del, p.Leu289fs (NM_001406722.1); short protein forms L2396fs, L2428fs, L289fs, L784fs.
Identifiers: ClinVar variation 2674565 (VCV002674565.1), dbSNP rs2548540438, ClinGen allele CA2695199709.

ClinVar aggregate classification (germline): Pathogenic (1 of 4 stars; one submission).

Conditions:
Breast-ovarian cancer, familial, susceptibility to, 2 (BROVCA2). Also called: BRCA2 Hereditary Breast and Ovarian Cancer. Identifiers: Orphanet 145, MedGen C2675520, MONDO:0012933, OMIM 612555. Disease mechanism: loss of function.

Submission:

Myriad Genetics, Inc.
Classification: Pathogenic for Breast-ovarian cancer, familial, susceptibility to, 2. Last evaluated: 2023-09-26. Review status: criteria provided, single submitter. Criteria: Myriad Autosomal Dominant, Autosomal Recessive and X-Linked Classification Criteria (2023). Collection method: clinical testing. Allele origin: unknown.
Comment: This variant is considered pathogenic. This variant creates a frameshift predicted to result in premature protein truncation.